The following is an entry in ClinVar:

ClinVar aggregate classification (germline): Likely benign (0 of 4 stars; one submission).

Conditions:
CYP2B6-related disorder. Also called: CYP2B6-related condition.

Allele frequency attached by ClinVar (database versions not stated): ExAC 0.00039; 1000 Genomes Project 30x 0.00094; 1000 Genomes Project 0.00100; TOPMed 0.00111; gnomAD 0.00118; ESP Exome Variant Server 0.00146.
gnomAD v4.1: 392 of 1,613,042 alleles (0.024%); highest among the groups gnomAD compares: African/African-American, 0.43%; 3 homozygotes.

Submission:

PreventionGenetics, part of Exact Sciences
Classification: Likely benign for CYP2B6-related condition. Last evaluated: 2019-02-28. Review status: no assertion criteria provided. Collection method: clinical testing. Allele origin: germline.
Comment: This variant is classified as likely benign based on ACMG/AMP sequence variant interpretation guidelines (Richards et al. 2015 PMID: 25741868, with internal and published modifications).

NM_000767.5(CYP2B6):c.723C>A (p.Ile241=)

Gene: CYP2B6 (cytochrome P450 family 2 subfamily B member 6; plus strand). Cytogenetic location: 19q13.2.
Variant type: single nucleotide variant.
Coding change: c.723C>A on transcript NM_000767.5 (MANE Select); coding-DNA position 723, C replaced by A.
Protein change: p.Ile241=; no amino-acid change (isoleucine 241 retained).
Molecular consequence: synonymous variant.
Genome position (GRCh38, 1-based): chr19:41,009,296, C>A. VCF-style: chr19-41009296-C-A. GRCh37 (hg19) VCF-style: chr19-41515201-C-A.
Identifiers: ClinVar variation 3045634 (VCV003045634.2), dbSNP rs35349987, ClinGen allele CA9455321.